The following is an entry in ClinVar:

ClinVar aggregate classification (germline): Uncertain significance (1 of 4 stars; one submission).

Conditions:
Dilated cardiomyopathy 1D. Identifiers: Orphanet 154, Orphanet 54260, MedGen C1832243, MONDO:0011095, OMIM 601494.
Hypertrophic cardiomyopathy 2. Also called: TNNT2-Related Familial Hypertrophic Cardiomyopathy. Identifiers: MedGen C1861864, MONDO:0007266, OMIM 115195.
Cardiomyopathy, familial restrictive, 3. Identifiers: Orphanet 75249, MedGen C2676271, MONDO:0012900, OMIM 612422.

Submission:

Labcorp Genetics (formerly Invitae), Labcorp
Classification: Uncertain significance for Cardiomyopathy, familial restrictive, 3; Hypertrophic cardiomyopathy 2; Dilated cardiomyopathy 1D. Last evaluated: 2022-11-20. Review status: criteria provided, single submitter. Criteria: Invitae Variant Classification Sherloc (09022015). Collection method: clinical testing. Allele origin: germline.
Comment: In summary, the available evidence is currently insufficient to determine the role of this variant in disease. Therefore, it has been classified as a Variant of Uncertain Significance. Experimental studies and prediction algorithms are not available or were not evaluated, and the functional significance of this variant is currently unknown. This variant has not been reported in the literature in individuals affected with TNNT2-related conditions. This variant is not present in population databases (gnomAD no frequency). This variant, c.626_631del, results in the deletion of 2 amino acid(s) of the TNNT2 protein (p.Lys209_Lys210del), but otherwise preserves the integrity of the reading frame.

NM_001276345.2(TNNT2):c.650AGA[2] (p.Lys219_Lys220del)

Gene: TNNT2 (troponin T2, cardiac type; minus strand). Cytogenetic location: 1q32.1.
Variant type: Microsatellite.
Coding change: c.650AGA[2] on transcript NM_001276345.2 (MANE Select); two copies in a row of the 3-base unit AGA starting at c.650; the reference has four copies in a row; two copies, 6 bases deleted.
Protein change: p.Lys219_Lys220del.
Molecular consequence: inframe deletion.
Genome position (GRCh38, 1-based): chr1:201,361,971-201,361,976, TCTTCT deleted on the plus strand (AGAAGA on the coding strand, the reverse complement: TNNT2 is on the minus strand); deleting any 6 consecutive bases within chr1:201,361,971-201,361,983 gives the same sequence; the position shown is the placement nearest the transcript's 3' end. VCF-style (leftmost placement, unchanged base first): chr1-201361970-ATCTTCT-A. GRCh37 (hg19) VCF-style: chr1-201331098-ATCTTCT-A.
Other names: c.641AGA[2], p.Lys216_Lys217del (NM_000364.4, NM_001406723.1); c.620AGA[2], p.Lys209_Lys210del (NM_001001430.3, NM_001276347.2, NM_001406724.1); c.611AGA[2], p.Lys206_Lys207del (NM_001001431.3, NM_001406726.1, NM_001406727.1); c.602AGA[2], p.Lys203_Lys204del (NM_001001432.3); c.521AGA[2], p.Lys176_Lys177del (NM_001276346.2); c.617AGA[2], p.Lys208_Lys209del (NM_001406725.1); c.605AGA[2], p.Lys204_Lys205del (NM_001406728.1).
Identifiers: ClinVar variation 2941703 (VCV002941703.3), dbSNP rs45578238, ClinGen allele CA2740090284.